The following is an entry in ClinVar:

NM_014975.3(MAST1):c.3030G>C (p.Gln1010His)

Gene: MAST1 (microtubule associated serine/threonine kinase 1; plus strand). Cytogenetic location: 19p13.13.
Variant type: single nucleotide variant.
Coding change: c.3030G>C on transcript NM_014975.3 (MANE Select); coding-DNA position 3030, G replaced by C.
Protein change: p.Gln1010His; replaces glutamine 1010 with histidine.
Molecular consequence: missense variant.
Genome position (GRCh38, 1-based): chr19:12,870,850, G>C. VCF-style: chr19-12870850-G-C. GRCh37 (hg19) VCF-style: chr19-12981664-G-C.
Other names: c.3030G>C (NM_014975.2); short protein forms Q1010H.
Identifiers: ClinVar variation 2068915 (VCV002068915.5), dbSNP rs368088951, ClinGen allele CA9233295.

ClinVar aggregate classification (germline): Uncertain significance. Review status: criteria provided, multiple submitters, no conflicts (2 of 4 stars). 2 submissions from 2 submitters: Uncertain significance (2). Last evaluated 2025-05-14.

Conditions:
Inborn genetic diseases. Identifiers: MedGen C0950123, MeSH D030342.

Allele frequency attached by ClinVar (database versions not stated): ExAC 0.00001; gnomAD exomes 0.00001; TOPMed 0.00001; ESP Exome Variant Server 0.00008.
gnomAD v4.1: 7 of 1,612,792 alleles (0.00043%); highest among the groups gnomAD compares: Middle Eastern, 0.017%; no homozygotes.

Submissions (2):

Ambry Genetics
Classification: Uncertain significance for Inborn genetic diseases. Last evaluated: 2025-05-14. Review status: criteria provided, single submitter. Criteria: Ambry Variant Classification Scheme 2023. Collection method: clinical testing. Allele origin: germline.

Labcorp Genetics (formerly Invitae), Labcorp
Classification: Uncertain significance. Last evaluated: 2022-07-26. Review status: criteria provided, single submitter. Criteria: Invitae Variant Classification Sherloc (09022015). Collection method: clinical testing. Allele origin: germline.
Comment: In summary, the available evidence is currently insufficient to determine the role of this variant in disease. Therefore, it has been classified as a Variant of Uncertain Significance. Algorithms developed to predict the effect of missense changes on protein structure and function (SIFT, PolyPhen-2, Align-GVGD) all suggest that this variant is likely to be tolerated. This variant has not been reported in the literature in individuals affected with MAST1-related conditions. This variant is not present in population databases (gnomAD no frequency). This sequence change replaces glutamine, which is neutral and polar, with histidine, which is basic and polar, at codon 1010 of the MAST1 protein (p.Gln1010His).